The following is an entry in ClinVar:

ClinVar aggregate classification (germline): Uncertain significance. Review status: criteria provided, multiple submitters, no conflicts (2 of 4 stars). 2 submissions from 2 submitters: Uncertain significance (2). Last evaluated 2026-03-02.

Conditions:
CEP290-related disorder. Also called: CEP290-related condition; CEP290-related disorders. Identifiers: MedGen CN239314.

gnomAD v4.1: 2 of 1,581,064 alleles (0.00013%); highest among the groups gnomAD compares: Non-Finnish European, 0.00017%; no homozygotes.

Submissions (2):

PreventionGenetics, part of Exact Sciences
Classification: Uncertain significance for CEP290-related condition. Last evaluated: 2026-03-02. Review status: criteria provided, single submitter. Criteria: ACMG Guidelines, 2015. Collection method: clinical testing. Allele origin: germline.
Comment: The CEP290 c.5855+5G>A variant is predicted to interfere with splicing. This variant is predicted to alter splicing based on available splicing prediction programs (SpliceAI, Jaganathan et al. 2019. PubMed ID: 30661751). To our knowledge, this variant has not been reported in the literature or in a large population database (gnomAD), indicating this variant is rare. At this time, the clinical significance of this variant is uncertain due to the absence of conclusive functional and genetic evidence.

Blueprint Genetics
Classification: Uncertain significance. Last evaluated: 2019-07-12. Review status: criteria provided, single submitter. Criteria: ACMG Guidelines, 2015. Collection method: clinical testing. Allele origin: germline.

NM_025114.4(CEP290):c.5855+5G>A

Gene: CEP290 (centrosomal protein 290; minus strand). Cytogenetic location: 12q21.32.
Variant type: single nucleotide variant.
Coding change: c.5855+5G>A on transcript NM_025114.4 (MANE Select); 5 bases into the intron after coding-DNA position 5855, G replaced by A.
Molecular consequence: intron variant.
Genome position (GRCh38, 1-based): chr12:88,071,776, C>T on the plus strand (G>A on the coding strand, the complement: CEP290 is on the minus strand). VCF-style: chr12-88071776-C-T. GRCh37 (hg19) VCF-style: chr12-88465553-C-T.
Other names: c.5855+5G>A (NM_025114.3).
Identifiers: ClinVar variation 4917849 (VCV004917849.2).
Genomic context (GRCh38, chr12:88,071,776, plus strand): 5'-ATATAATTTCCAGGTCACTAAAGGATTTTACACATAATTAGTTTTATAATGATATTTAAA[C>T]TCACTTGGCAAAAAGATCCTTCAAAGTATTCAACTGCTTTGTTAAAGTAAAGACTTCCCC-3'